The following is an entry in ClinVar:

ClinVar aggregate classification (germline): Uncertain significance (1 of 4 stars; one submission).

Submission:

Labcorp Genetics (formerly Invitae), Labcorp
Classification: Uncertain significance. Last evaluated: 2023-08-02. Review status: criteria provided, single submitter. Criteria: Invitae Variant Classification Sherloc (09022015). Collection method: clinical testing. Allele origin: germline.
Comment: In summary, the available evidence is currently insufficient to determine the role of this variant in disease. Therefore, it has been classified as a Variant of Uncertain Significance. Variants that disrupt the consensus splice site are a relatively common cause of aberrant splicing (PMID: 17576681, 9536098). Algorithms developed to predict the effect of sequence changes on RNA splicing suggest that this variant may disrupt the consensus splice site. This variant has not been reported in the literature in individuals affected with IL2RB-related conditions. This variant is not present in population databases (gnomAD no frequency). This sequence change falls in intron 3 of the IL2RB gene. It does not directly change the encoded amino acid sequence of the IL2RB protein. It affects a nucleotide within the consensus splice site.

Literature cited by the submitters: PubMed 17576681; PubMed 9536098.

NM_000878.5(IL2RB):c.203+4A>T

Gene: IL2RB (interleukin 2 receptor subunit beta; minus strand). Cytogenetic location: 22q12.3.
Variant type: single nucleotide variant.
Coding change: c.203+4A>T on transcript NM_000878.5 (MANE Select); 4 bases into the intron after coding-DNA position 203, A replaced by T.
Molecular consequence: intron variant.
Genome position (GRCh38, 1-based): chr22:37,143,517, T>A on the plus strand (A>T on the coding strand, the complement: IL2RB is on the minus strand). VCF-style: chr22-37143517-T-A. GRCh37 (hg19) VCF-style: chr22-37539557-T-A.
Other names: c.203+4A>T (NM_001346222.1, NM_001346223.2).
Identifiers: ClinVar variation 2749406 (VCV002749406.3), dbSNP rs1215102754, ClinGen allele CA2697552754.